The following is an entry in ClinVar:

ClinVar aggregate classification (germline): Uncertain significance. Review status: criteria provided, multiple submitters, no conflicts (2 of 4 stars). 3 submissions from 3 submitters: Uncertain significance (3). Last evaluated 2025-09-24.

Conditions:
Developmental and epileptic encephalopathy, 23 (DEE23). Also called: Epileptic encephalopathy, early infantile, 23. Identifiers: Orphanet 411986, MedGen C4014492, MONDO:0014371, OMIM 615859.
Inborn genetic diseases. Identifiers: MedGen C0950123, MeSH D030342.

Allele frequency attached by ClinVar (database versions not stated): ExAC 0.00001; gnomAD exomes 0.00001; TOPMed 0.00001.

Submissions (3):

Ambry Genetics
Classification: Uncertain significance for Inborn genetic diseases. Last evaluated: 2025-09-24. Review status: criteria provided, single submitter. Criteria: Ambry Variant Classification Scheme 2023. Collection method: clinical testing. Allele origin: germline.

Neuberg Centre For Genomic Medicine, NCGM
Classification: Uncertain significance for Developmental and epileptic encephalopathy, 23. Last evaluated: 2023-07-22. Review status: criteria provided, single submitter. Criteria: ACMG Guidelines, 2015. Collection method: clinical testing. Allele origin: germline. Inheritance: Autosomal recessive inheritance. Affected: yes.
Comment: The observed missense variant c.3820A>Gp.Thr1274Ala in DOCK7 gene has not been reported previously as a pathogenic variant nor as a benign variant, to our knowledge. This variant is reported with 0.001% allele frequency in gnomAD Exomes. It has been submitted to ClinVar as Uncertain Significance. Multiple lines of computational evidence Polyphen-Benign, SIFT-Tolerated and Mutation Taster-disease causing predict no damaging effect on protein structure and function for this variant. The amino acid Thr at position 1274 is changed to a Ala changing protein sequence and it might alter its composition and physico-chemical properties. For these reasons, this variant has been classified as Uncertain Significance.

Labcorp Genetics (formerly Invitae), Labcorp
Classification: Uncertain significance for Developmental and epileptic encephalopathy, 23. Last evaluated: 2020-12-19. Review status: criteria provided, single submitter. Criteria: Invitae Variant Classification Sherloc (09022015). Collection method: clinical testing. Allele origin: germline.
Comment: This sequence change replaces threonine with alanine at codon 1274 of the DOCK7 protein (p.Thr1274Ala). The threonine residue is weakly conserved and there is a small physicochemical difference between threonine and alanine. In summary, the available evidence is currently insufficient to determine the role of this variant in disease. Therefore, it has been classified as a Variant of Uncertain Significance. Algorithms developed to predict the effect of missense changes on protein structure and function output the following: SIFT: "Tolerated"; PolyPhen-2: "Benign"; Align-GVGD: "Class C0". The alanine amino acid residue is found in multiple mammalian species, suggesting that this missense change does not adversely affect protein function. These predictions have not been confirmed by published functional studies and their clinical significance is uncertain. This variant has not been reported in the literature in individuals with DOCK7-related conditions. The frequency data for this variant in the population databases is considered unreliable, as metrics indicate poor data quality at this position in the ExAC database.

NM_001367561.1(DOCK7):c.3820A>G (p.Thr1274Ala)

Gene: DOCK7 (dedicator of cytokinesis 7; minus strand). Cytogenetic location: 1p31.3.
Variant type: single nucleotide variant.
Coding change: c.3820A>G on transcript NM_001367561.1 (MANE Select); coding-DNA position 3820, A replaced by G.
Protein change: p.Thr1274Ala; replaces threonine 1274 with alanine.
Molecular consequence: missense variant.
Genome position (GRCh38, 1-based): chr1:62,528,267, T>C on the plus strand (A>G on the coding strand, the complement: DOCK7 is on the minus strand). VCF-style: chr1-62528267-T-C. GRCh37 (hg19) VCF-style: chr1-62993938-T-C.
Other names: c.3820A>G, p.Thr1274Ala (NM_001271999.2, NM_001330614.2); c.3727A>G, p.Thr1243Ala (NM_001272000.2, NM_001272001.2, NM_033407.4); c.3727A>G (NM_033407.2); short protein forms T1243A, T1274A.
Identifiers: ClinVar variation 1494952 (VCV001494952.10), dbSNP rs764297200, ClinGen allele CA885872.